The following is an entry in ClinVar:

NM_000138.5(FBN1):c.6998-33del

Gene: FBN1 (fibrillin 1; minus strand). Cytogenetic location: 15q21.1.
Variant type: Deletion.
Coding change: c.6998-33del on transcript NM_000138.5 (MANE Select); 33 bases into the intron before coding-DNA position 6998, one base deleted (G; older notation c.6998-33delG).
Molecular consequence: intron variant.
Genome position (GRCh38, 1-based): chr15:48,427,806, C deleted on the plus strand (G on the coding strand, the reverse complement: FBN1 is on the minus strand). VCF-style (leftmost placement, unchanged base first): chr15-48427805-TC-T. GRCh37 (hg19) VCF-style: chr15-48720002-TC-T.
Other names: c.6998-33delG (NM_000138.4).
Identifiers: ClinVar variation 495642 (VCV000495642.24), dbSNP rs563973570, ClinGen allele CA7547903.

ClinVar aggregate classification (germline): Benign/Likely benign. Review status: criteria provided, multiple submitters, no conflicts (2 of 4 stars). 3 submissions from 3 submitters: Benign (1); Likely benign (1). 1 of the submissions does not count toward it. Last evaluated 2026-09-01.

Conditions:
FBN1-related disorder. Also called: FBN1-related disorders.

Allele frequency attached by ClinVar (database versions not stated): gnomAD 0.00075 and 0.00076; 1000 Genomes Project 0.00080; TOPMed 0.00083; gnomAD exomes 0.00088 and 0.00099; ESP Exome Variant Server 0.00096; ExAC 0.00133.

Submissions (3):

CeGaT Center for Human Genetics Tuebingen
Classification: Likely benign. Last evaluated: 2026-09-01. Review status: criteria provided, single submitter. Criteria: CeGaT Center For Human Genetics Tuebingen Variant Classification Criteria Version 2. Collection method: clinical testing. Allele origin: germline. Affected: yes. Observed: 4 variant alleles.
Comment: FBN1: BS1

Women's Health and Genetics/Laboratory Corporation of America, LabCorp
Classification: Benign. Last evaluated: 2016-12-15. Review status: criteria provided, single submitter. Criteria: LabCorp Variant Classification Summary - May 2015. Collection method: clinical testing. Allele origin: germline.
Comment: Variant summary: The FBN1 c.6998-33delG variant involves the alteration of a non-conserved intronic nucleotide. Mutation Taster tool predicts a benign outcome for this variant. 5/5 splice prediction tools predict no significant impact on normal splicing. This variant was found in 140/105650 control chromosomes at a frequency of 0.0013251, which is approximately 12 times the estimated maximal expected allele frequency of a pathogenic FBN1 variant (0.0001125), suggesting this variant is likely a benign polymorphism. Taken together, this variant is classified as Benign.

PreventionGenetics, part of Exact Sciences
Classification: Likely benign for FBN1-related condition. Last evaluated: 2021-10-28. Review status: no assertion criteria provided. Collection method: clinical testing. Allele origin: germline. Not counted in ClinVar's aggregate classification.
Comment: This variant is classified as likely benign based on ACMG/AMP sequence variant interpretation guidelines (Richards et al. 2015 PMID: 25741868, with internal and published modifications).

Literature cited by the submitters: PubMed 11826022 (cited by Women's Health and Genetics/Laboratory Corporation of America, LabCorp).